The following is an entry in ClinVar:

ClinVar aggregate classification (germline): Uncertain significance (1 of 4 stars; one submission).

Submission:

Labcorp Genetics (formerly Invitae), Labcorp
Classification: Uncertain significance. Last evaluated: 2021-11-10. Review status: criteria provided, single submitter. Criteria: Invitae Variant Classification Sherloc (09022015). Collection method: clinical testing. Allele origin: germline.
Comment: In summary, the available evidence is currently insufficient to determine the role of this variant in disease. Therefore, it has been classified as a Variant of Uncertain Significance. Algorithms developed to predict the effect of missense changes on protein structure and function output the following: SIFT: "Not Available"; PolyPhen-2: "Benign"; Align-GVGD: "Not Available". The aspartic acid amino acid residue is found in multiple mammalian species, which suggests that this missense change does not adversely affect protein function. This variant has not been reported in the literature in individuals affected with CEP250-related conditions. This variant is not present in population databases (gnomAD no frequency). This sequence change replaces glutamic acid, which is acidic and polar, with aspartic acid, which is acidic and polar, at codon 1286 of the CEP250 protein (p.Glu1286Asp).

NM_007186.6(CEP250):c.3858G>T (p.Glu1286Asp)

Gene: CEP250 (centrosomal protein 250; plus strand). Cytogenetic location: 20q11.22.
Variant type: single nucleotide variant.
Coding change: c.3858G>T on transcript NM_007186.6 (MANE Select); coding-DNA position 3858, G replaced by T.
Protein change: p.Glu1286Asp; replaces glutamic acid 1286 with aspartic acid.
Molecular consequence: missense variant.
Genome position (GRCh38, 1-based): chr20:35,500,129, G>T. VCF-style: chr20-35500129-G-T. GRCh37 (hg19) VCF-style: chr20-34087958-G-T.
Other names: c.1962G>T, p.Glu654Asp (NM_001318219.1); short protein forms E1286D, E654D.
Identifiers: ClinVar variation 1488113 (VCV001488113.4), dbSNP rs2147127645, ClinGen allele CA408746255.